The following is an entry in ClinVar:

NM_001009999.3(KDM1A):c.954A>G (p.Gln318=)

Gene: KDM1A (lysine demethylase 1A; plus strand). Cytogenetic location: 1p36.12.
Variant type: single nucleotide variant.
Coding change: c.954A>G on transcript NM_001009999.3 (MANE Select); coding-DNA position 954, A replaced by G.
Protein change: p.Gln318=; no amino-acid change (glutamine 318 retained).
Molecular consequence: synonymous variant.
Genome position (GRCh38, 1-based): chr1:23,056,002, A>G. VCF-style: chr1-23056002-A-G. GRCh37 (hg19) VCF-style: chr1-23382495-A-G.
Other names: c.954A>G (NM_001009999.2); c.894A>G, p.Gln298= (NM_001363654.2, NM_001410763.1, NM_015013.4); c.954A>G, p.Gln318= (NM_001410762.1).
Identifiers: ClinVar variation 1973496 (VCV001973496.30), dbSNP rs767047706, ClinGen allele CA679596.
Genomic context (GRCh38, chr1:23,056,002, plus strand): 5'-AGGAAAGGTAATTATTATAGGCTCTGGGGTCTCAGGCTTGGCAGCAGCTCGACAGTTACA[A>G]AGTTTTGGAATGGATGTCACACTTTTGGAAGCCAGGGTAAGAATTTCATTTTGAGTTTAG-3'
Protein context (NP_001009999.1, residues 308-328): VSGLAAARQL[Gln318=]SFGMDVTLLE

ClinVar aggregate classification (germline): Likely benign. Review status: criteria provided, multiple submitters, no conflicts (2 of 4 stars). 3 submissions from 3 submitters: Likely benign (3). Last evaluated 2026-07-01.

Conditions:
Inborn genetic diseases. Identifiers: MedGen C0950123, MeSH D030342.

Allele frequency attached by ClinVar (database versions not stated): ExAC 0.00002; gnomAD exomes 0.00002.
gnomAD v4.1: 26 of 1,613,036 alleles (0.0016%); highest among the groups gnomAD compares: South Asian, 0.0044%; no homozygotes.

Submissions (3):

CeGaT Center for Human Genetics Tuebingen
Classification: Likely benign. Last evaluated: 2026-07-01. Review status: criteria provided, single submitter. Criteria: CeGaT Center For Human Genetics Tuebingen Variant Classification Criteria Version 2. Collection method: clinical testing. Allele origin: germline. Affected: yes. Observed: 2 variant alleles.
Comment: KDM1A: BP4, BP7

Labcorp Genetics (formerly Invitae), Labcorp
Classification: Likely benign. Last evaluated: 2025-08-27. Review status: criteria provided, single submitter. Criteria: Invitae Variant Classification Sherloc (09022015). Collection method: clinical testing. Allele origin: germline.

Ambry Genetics
Classification: Likely benign for Inborn genetic diseases. Last evaluated: 2025-01-27. Review status: criteria provided, single submitter. Criteria: Ambry Variant Classification Scheme 2023. Collection method: clinical testing. Allele origin: germline.